The following is an entry in ClinVar:

ClinVar aggregate classification (germline): Uncertain significance (1 of 4 stars; one submission).

Conditions:
Cranium bifidum occultum. Also called: Enlarged Parietal Foramina; CATLIN MARKS; CRANIUM BIFIDUM, HEREDITARY. Identifiers: MedGen C1868598, HP:0004423.

Submission:

Labcorp Genetics (formerly Invitae), Labcorp
Classification: Uncertain significance for Cranium bifidum occultum. Last evaluated: 2022-03-11. Review status: criteria provided, single submitter. Criteria: Invitae Variant Classification Sherloc (09022015). Collection method: clinical testing. Allele origin: germline.
Comment: This variant has not been reported in the literature in individuals affected with MSX2-related conditions. In summary, the available evidence is currently insufficient to determine the role of this variant in disease. Therefore, it has been classified as a Variant of Uncertain Significance. Algorithms developed to predict the effect of sequence changes on RNA splicing suggest that this variant may create or strengthen a splice site. Algorithms developed to predict the effect of missense changes on protein structure and function are either unavailable or do not agree on the potential impact of this missense change (SIFT: "Tolerated"; PolyPhen-2: "Probably Damaging"; Align-GVGD: "Class C0"). This variant is not present in population databases (gnomAD no frequency). This sequence change replaces threonine, which is neutral and polar, with serine, which is neutral and polar, at codon 150 of the MSX2 protein (p.Thr150Ser).

NM_002449.5(MSX2):c.449C>G (p.Thr150Ser)

Gene: MSX2 (msh homeobox 2; plus strand). Cytogenetic location: 5q35.2.
Variant type: single nucleotide variant.
Coding change: c.449C>G on transcript NM_002449.5 (MANE Select); coding-DNA position 449, C replaced by G.
Protein change: p.Thr150Ser; replaces threonine 150 with serine.
Molecular consequence: missense variant. On other transcripts: 3 prime UTR variant (1).
Genome position (GRCh38, 1-based): chr5:174,729,228, C>G. VCF-style: chr5-174729228-C-G. GRCh37 (hg19) VCF-style: chr5-174156231-C-G.
Other names: c.*73C>G (NM_001363626.2); short protein forms T150S.
Identifiers: ClinVar variation 1370999 (VCV001370999.6), dbSNP rs2113498683, ClinGen allele CA362229902.